The following is an entry in ClinVar:

ClinVar aggregate classification (germline): Uncertain significance (1 of 4 stars; one submission).

Conditions:
Walker-Warburg congenital muscular dystrophy. Also called: Muscular dystrophy-dystroglycanopathy, type A; Walker-Warburg syndrome. Identifiers: Orphanet 899, MedGen C0265221, MONDO:0000171.

Allele frequency attached by ClinVar (database versions not stated): gnomAD exomes below 0.00001; TOPMed below 0.00001.
gnomAD v4.1: 2 of 1,610,552 alleles (0.00012%); highest among the groups gnomAD compares: Non-Finnish European, 0.00017%; no homozygotes.

Submission:

Labcorp Genetics (formerly Invitae), Labcorp
Classification: Uncertain significance for Walker-Warburg congenital muscular dystrophy. Last evaluated: 2018-05-15. Review status: criteria provided, single submitter. Criteria: Invitae Variant Classification Sherloc (09022015). Collection method: clinical testing. Allele origin: germline.
Comment: This sequence change affects codon 260 of the FKTN mRNA. It is a 'silent' change, meaning that it does not change the encoded amino acid sequence of the FKTN protein. This variant also falls at the last nucleotide of exon 7 of the FKTN coding sequence, which is part of the consensus splice site for this exon. This variant is not present in population databases (ExAC no frequency). This variant has not been reported in the literature in individuals with FKTN-related disease. Nucleotide substitutions within the consensus splice site are a relatively common cause of aberrant splicing (PMID: 17576681, 9536098). Algorithms developed to predict the effect of sequence changes on RNA splicing suggest that this variant may disrupt the consensus splice site, but this prediction has not been confirmed by published transcriptional studies. In summary, the available evidence is currently insufficient to determine the role of this variant in disease. Therefore, it has been classified as a Variant of Uncertain Significance.

Literature cited by the submitters: PubMed 17576681; PubMed 9536098.

NM_001079802.2(FKTN):c.780G>A (p.Gln260=)

Gene: FKTN (fukutin; plus strand). Cytogenetic location: 9q31.2.
Variant type: single nucleotide variant.
Coding change: c.780G>A on transcript NM_001079802.2 (MANE Select); coding-DNA position 780, G replaced by A.
Protein change: p.Gln260=; no amino-acid change (glutamine 260 retained).
Molecular consequence: synonymous variant. On other transcripts: non-coding transcript variant (2).
Genome position (GRCh38, 1-based): chr9:105,607,951, G>A. VCF-style: chr9-105607951-G-A. GRCh37 (hg19) VCF-style: chr9-108370232-G-A.
Other names: c.780G>A, p.Gln260= (NM_001198963.2, NM_001351496.2, NM_001351498.2 and 1 more transcripts); c.711G>A, p.Gln237= (NM_001351497.2); c.384G>A, p.Gln128= (NM_001351499.2, NM_001351500.2, NM_001351501.2 and 1 more transcripts).
Identifiers: ClinVar variation 572814 (VCV000572814.3), dbSNP rs1459814015, ClinGen allele CA466511927.